The following is an entry in ClinVar:

ClinVar aggregate classification (germline): Uncertain significance (1 of 4 stars; one submission).

Submission:

Labcorp Genetics (formerly Invitae), Labcorp
Classification: Uncertain significance. Last evaluated: 2020-08-15. Review status: criteria provided, single submitter. Criteria: Invitae Variant Classification Sherloc (09022015). Collection method: clinical testing. Allele origin: germline.
Comment: In summary, the available evidence is currently insufficient to determine the role of this variant in disease. Therefore, it has been classified as a Variant of Uncertain Significance. Algorithms developed to predict the effect of missense changes on protein structure and function are either unavailable or do not agree on the potential impact of this missense change (SIFT: "Deleterious"; PolyPhen-2: "Benign"; Align-GVGD: "Class C65"). This sequence change replaces arginine with serine at codon 338 of the ZNF513 protein (p.Arg338Ser). The arginine residue is highly conserved and there is a moderate physicochemical difference between arginine and serine. This variant is not present in population databases (ExAC no frequency). This variant has not been reported in the literature in individuals with ZNF513-related conditions.

NM_144631.6(ZNF513):c.1012C>A (p.Arg338Ser)

Gene: ZNF513 (zinc finger protein 513; minus strand). Cytogenetic location: 2p23.3.
Variant type: single nucleotide variant.
Coding change: c.1012C>A on transcript NM_144631.6 (MANE Select); coding-DNA position 1012, C replaced by A.
Protein change: p.Arg338Ser; replaces arginine 338 with serine.
Molecular consequence: missense variant.
Genome position (GRCh38, 1-based): chr2:27,378,159, G>T on the plus strand (C>A on the coding strand, the complement: ZNF513 is on the minus strand). VCF-style: chr2-27378159-G-T. GRCh37 (hg19) VCF-style: chr2-27601026-G-T.
Other names: c.826C>A, p.Arg276Ser (NM_001201459.2); short protein forms R338S, R276S.
Identifiers: ClinVar variation 1035211 (VCV001035211.8), dbSNP rs779925116, ClinGen allele CA346216429.
Genomic context (GRCh38, chr2:27,378,159, plus strand): 5'-TGTCACTGGGGCCCTGGGGCCCCCCACTGGCACCCCCTCCAGCCTCTCCTCGCATGCAGC[G>T]CCCACACATGGCAGCTCCCAGCCGACTACCCTCACCCTCCTCCAGCTCTTGTCCACAGCC-3'
Protein context (NP_653232.3, residues 328-348): GSRLGAAMCG[Arg338Ser]CMRGEAGGGA